The following is an entry in ClinVar:

NM_005085.4(NUP214):c.5017G>A (p.Val1673Met)

Gene: NUP214 (nucleoporin 214; plus strand). Cytogenetic location: 9q34.13.
Variant type: single nucleotide variant.
Coding change: c.5017G>A on transcript NM_005085.4 (MANE Select); coding-DNA position 5017, G replaced by A.
Protein change: p.Val1673Met; replaces valine 1673 with methionine.
Molecular consequence: missense variant.
Genome position (GRCh38, 1-based): chr9:131,198,511, G>A. VCF-style: chr9-131198511-G-A. GRCh37 (hg19) VCF-style: chr9-134073898-G-A.
Other names: c.4987G>A, p.Val1663Met (NM_001318324.2); c.1495G>A, p.Val499Met (NM_001318325.2); short protein forms V1663M, V1673M, V499M.
Identifiers: ClinVar variation 2361398 (VCV002361398.4), dbSNP rs61735510, ClinGen allele CA5290063.

ClinVar aggregate classification (germline): Conflicting classifications of pathogenicity. Review status: criteria provided, conflicting classifications (1 of 4 stars). 2 submissions from 2 submitters: Uncertain significance (1); Likely benign (1). Last evaluated 2026-05-13.

gnomAD v4.1: 89 of 1,614,098 alleles (0.0055%); highest among the groups gnomAD compares: Admixed American, 0.063%; no homozygotes.

Submissions (2):

GeneDx
Classification: Uncertain significance. Last evaluated: 2026-05-13. Review status: criteria provided, single submitter. Criteria: GeneDx Variant Classification Process June 2021. Collection method: clinical testing. Allele origin: germline.
Comment: In silico analysis suggests that this missense variant does not alter protein structure/function; Has not been previously published as pathogenic or benign to our knowledge

Ambry Genetics
Classification: Likely benign. Last evaluated: 2022-01-04. Review status: criteria provided, single submitter. Criteria: Ambry Variant Classification Scheme 2023. Collection method: clinical testing. Allele origin: germline.